The following is an entry in ClinVar:

NM_001113378.2(FANCI):c.221A>T (p.Gln74Leu)

Gene: FANCI (FA complementation group I; plus strand). Cytogenetic location: 15q26.1.
Variant type: single nucleotide variant.
Coding change: c.221A>T on transcript NM_001113378.2 (MANE Select); coding-DNA position 221, A replaced by T.
Protein change: p.Gln74Leu; replaces glutamine 74 with leucine.
Molecular consequence: missense variant. On other transcripts: 5 prime UTR variant (1).
Genome position (GRCh38, 1-based): chr15:89,260,776, A>T. VCF-style: chr15-89260776-A-T. GRCh37 (hg19) VCF-style: chr15-89804007-A-T.
Other names: c.-59A>T (NM_001376910.1); c.221A>T, p.Gln74Leu (NM_001376911.1, NM_018193.3); short protein forms Q74L.
Identifiers: ClinVar variation 1001292 (VCV001001292.8), dbSNP rs2052680747, ClinGen allele CA393737944.

ClinVar aggregate classification (germline): Uncertain significance (1 of 4 stars; one submission).

Conditions:
Fanconi anemia (FA). Also called: Fanconi's anemia. Identifiers: Orphanet 84, MedGen C0015625, MeSH D005199, MONDO:0019391.

Submission:

Labcorp Genetics (formerly Invitae), Labcorp
Classification: Uncertain significance for Fanconi anemia. Last evaluated: 2020-09-11. Review status: criteria provided, single submitter. Criteria: Invitae Variant Classification Sherloc (09022015). Collection method: clinical testing. Allele origin: germline.
Comment: In summary, the available evidence is currently insufficient to determine the role of this variant in disease. Therefore, it has been classified as a Variant of Uncertain Significance. Algorithms developed to predict the effect of missense changes on protein structure and function (SIFT, PolyPhen-2, Align-GVGD) all suggest that this variant is likely to be tolerated, but these predictions have not been confirmed by published functional studies and their clinical significance is uncertain. This variant has not been reported in the literature in individuals with FANCI-related conditions. This variant is not present in population databases (ExAC no frequency). This sequence change replaces glutamine with leucine at codon 74 of the FANCI protein (p.Gln74Leu). The glutamine residue is weakly conserved and there is a moderate physicochemical difference between glutamine and leucine.